The following is an entry in ClinVar:

NM_006432.5(NPC2):c.2T>G (p.Met1Arg)

Gene: NPC2 (NPC intracellular cholesterol transporter 2; minus strand). Cytogenetic location: 14q24.3.
Variant type: single nucleotide variant.
Coding change: c.2T>G on transcript NM_006432.5 (MANE Select); coding-DNA position 2, T replaced by G.
Protein change: p.Met1Arg; changes the start codon (methionine 1).
Molecular consequence: missense variant, initiator codon variant.
Genome position (GRCh38, 1-based): chr14:74,493,273, A>C on the plus strand (T>G on the coding strand, the complement: NPC2 is on the minus strand). VCF-style: chr14-74493273-A-C. GRCh37 (hg19) VCF-style: chr14-74959976-A-C.
Other names: c.2T>G, p.Met1Arg (NM_001363688.1, NM_001375440.1); short protein forms M1R.
Identifiers: ClinVar variation 2088012 (VCV002088012.5), dbSNP rs1555346368, ClinGen allele CA390377012.

ClinVar aggregate classification (germline): Pathogenic (1 of 4 stars; one submission).

Conditions:
Niemann-Pick disease, type C2 (NPC2). Identifiers: Orphanet 646, MedGen C1843366, MONDO:0011873, OMIM 607625.

Submission:

Labcorp Genetics (formerly Invitae), Labcorp
Classification: Pathogenic for Niemann-Pick disease, type C2. Last evaluated: 2022-01-19. Review status: criteria provided, single submitter. Criteria: Invitae Variant Classification Sherloc (09022015). Collection method: clinical testing. Allele origin: germline.
Comment: This sequence change affects the initiator methionine of the NPC2 mRNA. The next in-frame methionine is located at codon 79. This variant is not present in population databases (gnomAD no frequency). Disruption of the initiator codon has been observed in individual(s) with Niemann-Pick disease type C (PMID: 19252935, 24915861, 32138288). In at least one individual the data is consistent with being in trans (on the opposite chromosome) from a pathogenic variant. This variant disrupts a region of the NPC2 protein in which other variant(s) (p.Cys47Phe) have been observed in individuals with NPC2-related conditions (PMID: 12955717, 15937921, 17470133). This suggests that this is a clinically significant region of the protein, and that variants that disrupt it are likely to be disease-causing. For these reasons, this variant has been classified as Pathogenic.

Literature cited by the submitters: PubMed 19252935; PubMed 24915861; PubMed 32138288; PubMed 12955717; PubMed 15937921; PubMed 17470133.